The following is an entry in ClinVar:

NM_000059.4(BRCA2):c.3830dup (p.Asn1277fs)

Gene: BRCA2 (BRCA2 DNA repair associated; plus strand). Cytogenetic location: 13q13.1.
Variant type: Duplication.
Coding change: c.3830dup on transcript NM_000059.4 (MANE Select); coding-DNA position 3830, one base duplicated (A; older notation c.3830dupA).
Protein change: p.Asn1277fs; shifts the reading frame from asparagine 1277.
Molecular consequence: frameshift variant. On other transcripts: non-coding transcript variant (1), intron variant (2).
Genome position (GRCh38, 1-based): chr13:32,338,185, A duplicated; the last of 4 consecutive A bases (chr13:32,338,182-32,338,185); duplicating any one gives the same sequence. VCF-style (leftmost placement, unchanged base first): chr13-32338181-G-GA. GRCh37 (hg19) VCF-style: chr13-32912318-G-GA.
Other names: c.3830dup, p.Asn1277fs (NM_001406719.1, NM_001406720.1, NM_001432077.1); c.1909+4798dup (NM_001406721.1); c.425-6373dup (NM_001406722.1); short protein forms N1277fs.
Identifiers: ClinVar variation 4710781 (VCV004710781.1).
Genomic context (GRCh38, chr13:32,338,181, plus strand): 5'-CATCCAATAAGTTTATCTTCAAGTAAATGTCATGATTCTGTTGTTTCAATGTTTAAGATA[G>GA]AAAATCATAATGATAAAACTGTAAGTGAAAAAAATAATAAATGCCAACTGATATTACAAA-3'

ClinVar aggregate classification (germline): Pathogenic (1 of 4 stars; one submission).

Conditions:
Hereditary breast ovarian cancer syndrome. Also called: BRCA1- and BRCA2-Associated Hereditary Breast and Ovarian Cancer; Breast and ovarian cancer; Hereditary breast and ovarian cancer syndrome; Hereditary breast and ovarian cancer syndrome (HBOC); Hereditary breast and/or ovarian cancer syndrome; Hereditary breast and ovarian cancer. Identifiers: Orphanet 145, MedGen C0677776, MeSH D061325, MONDO:0003582. Disease mechanism: loss of function.

Submission:

Labcorp Genetics (formerly Invitae), Labcorp
Classification: Pathogenic for Hereditary breast ovarian cancer syndrome. Last evaluated: 2025-08-11. Review status: criteria provided, single submitter. Criteria: Invitae Variant Classification Sherloc (09022015). Collection method: clinical testing. Allele origin: germline.
Comment: This sequence change creates a premature translational stop signal (p.Asn1277Lysfs*3) in the BRCA2 gene. It is expected to result in an absent or disrupted protein product. Loss-of-function variants in BRCA2 are known to be pathogenic (PMID: 20104584). This variant is not present in population databases (gnomAD no frequency). This premature translational stop signal has been observed in individual(s) with pancreatic cancer (PMID: 38350919). For these reasons, this variant has been classified as Pathogenic.

Literature cited by the submitters: PubMed 20104584; PubMed 38350919.